The following is an entry in ClinVar:

ClinVar aggregate classification (germline): Likely benign. Review status: criteria provided, multiple submitters, no conflicts (2 of 4 stars). 2 submissions from 2 submitters: Likely benign (2). Last evaluated 2026-03-13.

Conditions:
Hereditary cancer-predisposing syndrome. Also called: Neoplastic Syndromes, Hereditary; Tumor predisposition; Hereditary Cancer Syndrome; Hereditary neoplastic syndrome. Identifiers: Orphanet 140162, MedGen C0027672, MeSH D009386, MONDO:0015356.

Submissions (2):

Ambry Genetics
Classification: Likely benign for Hereditary cancer-predisposing syndrome. Last evaluated: 2026-03-13. Review status: criteria provided, single submitter. Criteria: Ambry Variant Classification Scheme 2023. Collection method: clinical testing. Allele origin: germline.

CeGaT Center for Human Genetics Tuebingen
Classification: Likely benign. Last evaluated: 2025-08-01. Review status: criteria provided, single submitter. Criteria: CeGaT Center For Human Genetics Tuebingen Variant Classification Criteria Version 2. Collection method: clinical testing. Allele origin: germline. Affected: yes. Observed: 1 variant allele.
Comment: SMARCA4: PM2:Supporting, BP4, BP7

NM_003072.5(SMARCA4):c.1287G>C (p.Ala429=)

Gene: SMARCA4 (SWI/SNF related BAF chromatin remodeling complex subunit ATPase 4; plus strand). Cytogenetic location: 19p13.2.
Variant type: single nucleotide variant.
Coding change: c.1287G>C on transcript NM_003072.5 (MANE Select); coding-DNA position 1287, G replaced by C.
Protein change: p.Ala429=; no amino-acid change (alanine 429 retained).
Molecular consequence: synonymous variant. On other transcripts: non-coding transcript variant (1).
Genome position (GRCh38, 1-based): chr19:10,991,191, G>C. VCF-style: chr19-10991191-G-C. GRCh37 (hg19) VCF-style: chr19-11101867-G-C.
Other names: c.1287G>C, p.Ala429= (NM_001128849.3, NM_001374457.1, NM_001387283.1 and 6 more transcripts); c.1287G>C (NM_001128849.1).
Identifiers: ClinVar variation 4084740 (VCV004084740.8).